The following is an entry in ClinVar:

ClinVar aggregate classification (germline): Uncertain significance. Review status: criteria provided, multiple submitters, no conflicts (2 of 4 stars). 2 submissions from 2 submitters: Uncertain significance (2). Last evaluated 2025-12-11.

Conditions:
Inborn genetic diseases. Identifiers: MedGen C0950123, MeSH D030342.

gnomAD v4.1: 3 of 1,613,094 alleles (0.00019%); highest among the groups gnomAD compares: East Asian, 0.0022%; no homozygotes.

Submissions (2):

Ambry Genetics
Classification: Uncertain significance for Inborn genetic diseases. Last evaluated: 2025-12-11. Review status: criteria provided, single submitter. Criteria: Ambry Variant Classification Scheme 2023. Collection method: clinical testing. Allele origin: germline.

Labcorp Genetics (formerly Invitae), Labcorp
Classification: Uncertain significance. Last evaluated: 2025-04-08. Review status: criteria provided, single submitter. Criteria: Invitae Variant Classification Sherloc (09022015). Collection method: clinical testing. Allele origin: germline.
Comment: This sequence change replaces valine, which is neutral and non-polar, with methionine, which is neutral and non-polar, at codon 376 of the PDE2A protein (p.Val376Met). The frequency data for this variant in the population databases is considered unreliable, as metrics indicate poor data quality at this position in the gnomAD database. This variant has not been reported in the literature in individuals affected with PDE2A-related conditions. ClinVar contains an entry for this variant (Variation ID: 3659977). An algorithm developed to predict the effect of missense changes on protein structure and function (PolyPhen-2) suggests that this variant is likely to be disruptive. In summary, the available evidence is currently insufficient to determine the role of this variant in disease. Therefore, it has been classified as a Variant of Uncertain Significance.

NM_002599.5(PDE2A):c.1126G>A (p.Val376Met)

Genes: PDE2A (phosphodiesterase 2A; minus strand), PDE2A-AS2 (PDE2A antisense RNA 2; plus strand). Cytogenetic location: 11q13.4.
Variant type: single nucleotide variant.
Coding change: c.1126G>A on transcript NM_002599.5 (MANE Select); coding-DNA position 1126, G replaced by A.
Protein change: p.Val376Met; replaces valine 376 with methionine.
Molecular consequence: missense variant.
Genome position (GRCh38, 1-based): chr11:72,586,126, C>T on the plus strand (G>A on the coding strand, the complement: PDE2A is on the minus strand). VCF-style: chr11-72586126-C-T. GRCh37 (hg19) VCF-style: chr11-72297170-C-T.
Other names: c.1105G>A, p.Val369Met (NM_001143839.4); c.1099G>A, p.Val367Met (NM_001146209.3); c.1063G>A, p.Val355Met (NM_001243784.2); c.1126G>A (NM_002599.4); short protein forms V355M, V367M, V369M, V376M.
Identifiers: ClinVar variation 3659977 (VCV003659977.3).